The following is an entry in ClinVar:

ClinVar aggregate classification (germline): Pathogenic/Likely pathogenic. Review status: criteria provided, multiple submitters, no conflicts (2 of 4 stars). 2 submissions from 2 submitters: Pathogenic (1); Likely pathogenic (1). Last evaluated 2025-03-12.

Conditions:
Neurodevelopmental delay. Identifiers: MedGen C4022738, HP:0012758.
Parenti-mignot neurodevelopmental syndrome. Identifiers: MedGen C5676984, MONDO:0859249, OMIM 619873.

Allele frequency attached by ClinVar (database versions not stated): gnomAD exomes below 0.00001.
gnomAD v4.1: 1 of 1,612,116 alleles (0.000062%); highest among the groups gnomAD compares: Non-Finnish European, 0.000085%; no homozygotes.

Submissions (2):

Variantyx, Inc.
Classification: Pathogenic for Parenti-mignot neurodevelopmental syndrome. Last evaluated: 2025-03-12. Review status: criteria provided, single submitter. Criteria: Variantyx Assertion Criteria 2022. Collection method: clinical testing. Allele origin: de novo. Affected: yes.
Comment: This is a canonical splicing variant in the CHD5 gene (OMIM: 610771). Pathogenic variants in this gene have been associated with autosomal dominant Parenti-Mignot neurodevelopmental syndrome. This splicing variant is expected to result in loss of function, which is a known disease mechanism for CHD5 in this disorder (PMID: 33944996) (PVS1). This variant has been reported in several unrelated affected individuals (PMID: 31785789, 33057194, 35982159) (PS4). This variant has a 0.0001% maximum allele frequency in non-founder control populations (PM2_Supporting). Based on the current evidence, this variant is classified as pathogenic for autosomal dominant Parenti-Mignot neurodevelopmental syndrome. Inheritance from an unaffected or mildly affected parent has been reported in the CHD5 gene, consistent with incomplete penetrance and variable expressivity (PMID: 33944996).

Centre de Biologie Pathologie Génétique, Centre Hospitalier Universitaire de Lille
Classification: Likely pathogenic for Neurodevelopmental delay. Review status: criteria provided, single submitter. Criteria: ACMG Guidelines, 2015. Collection method: clinical testing. Allele origin: de novo. Affected: yes.

NM_015557.3(CHD5):c.4171+1G>A

Gene: CHD5 (chromodomain helicase DNA binding protein 5; minus strand). Cytogenetic location: 1p36.31.
Variant type: single nucleotide variant.
Coding change: c.4171+1G>A on transcript NM_015557.3 (MANE Select); the canonical splice donor site of the intron after coding-DNA position 4171, G replaced by A.
Molecular consequence: splice donor variant.
Genome position (GRCh38, 1-based): chr1:6,125,765, C>T on the plus strand (G>A on the coding strand, the complement: CHD5 is on the minus strand). VCF-style: chr1-6125765-C-T. GRCh37 (hg19) VCF-style: chr1-6185825-C-T.
Identifiers: ClinVar variation 1700078 (VCV001700078.2), dbSNP rs2100843382, ClinGen allele CA338073340.